The following is an entry in ClinVar:

ClinVar aggregate classification (germline): Conflicting classifications of pathogenicity. Review status: criteria provided, conflicting classifications (1 of 4 stars). 5 submissions from 4 submitters: Uncertain significance (2); Likely benign (3). Last evaluated 2026-01-17.

Conditions:
Leber congenital amaurosis 15 (LCA15). Identifiers: Orphanet 65, MedGen C3151206, MONDO:0013457, OMIM 613843.
Retinitis pigmentosa (RP). Identifiers: Orphanet 791, MedGen C0035334, MeSH D012174, MONDO:0019200, OMIM 268000. Inheritance: Autosomal dominant, autosomal recessive and X linked inheritance.

Allele frequency attached by ClinVar (database versions not stated): ExAC 0.00012; 1000 Genomes Project 30x 0.00016; gnomAD exomes 0.00016; 1000 Genomes Project 0.00020; gnomAD 0.00021; ESP Exome Variant Server 0.00023; TOPMed 0.00023.
gnomAD v4.1: 373 of 1,614,126 alleles (0.023%); highest among the groups gnomAD compares: Middle Eastern, 0.12%; 2 homozygotes.

Submissions (5):

Labcorp Genetics (formerly Invitae), Labcorp
Classification: Likely benign. Last evaluated: 2026-01-17. Review status: criteria provided, single submitter. Criteria: Invitae Variant Classification Sherloc (09022015). Collection method: clinical testing. Allele origin: germline.

Blueprint Genetics
Classification: Likely benign. Last evaluated: 2024-10-09. Review status: criteria provided, single submitter. Criteria: ACMG Guidelines, 2015. Collection method: clinical testing. Allele origin: germline.

CeGaT Center for Human Genetics Tuebingen
Classification: Likely benign. Last evaluated: 2023-07-01. Review status: criteria provided, single submitter. Criteria: CeGaT Center For Human Genetics Tuebingen Variant Classification Criteria Version 2. Collection method: clinical testing. Allele origin: germline. Affected: yes. Observed: 1 variant allele.
Comment: TULP1: BP4, BP7

Illumina Laboratory Services, Illumina
Classification: Uncertain significance for Retinitis pigmentosa. Last evaluated: 2018-01-12. Review status: criteria provided, single submitter. Criteria: ICSL Variant Classification Criteria 13 December 2019. Collection method: clinical testing. Allele origin: germline.

Illumina Laboratory Services, Illumina
Classification: Uncertain significance for Leber congenital amaurosis 15. Last evaluated: 2018-01-12. Review status: criteria provided, single submitter. Criteria: ICSL Variant Classification Criteria 13 December 2019. Collection method: clinical testing. Allele origin: germline.

NM_003322.6(TULP1):c.603G>A (p.Gly201=)

Gene: TULP1 (TUB like protein 1; minus strand). Cytogenetic location: 6p21.31.
Variant type: single nucleotide variant.
Coding change: c.603G>A on transcript NM_003322.6 (MANE Select); coding-DNA position 603, G replaced by A.
Protein change: p.Gly201=; no amino-acid change (glycine 201 retained).
Molecular consequence: synonymous variant.
Genome position (GRCh38, 1-based): chr6:35,509,749, C>T on the plus strand (G>A on the coding strand, the complement: TULP1 is on the minus strand). VCF-style: chr6-35509749-C-T. GRCh37 (hg19) VCF-style: chr6-35477526-C-T.
Other names: c.444G>A, p.Gly148= (NM_001289395.2).
Identifiers: ClinVar variation 779846 (VCV000779846.39), dbSNP rs117920214, ClinGen allele CA3772861.